The following is an entry in ClinVar:

ClinVar aggregate classification (germline): Uncertain significance (1 of 4 stars; one submission).

Allele frequency attached by ClinVar (database versions not stated): ExAC 0.00001; gnomAD exomes below 0.00001.
gnomAD v4.1: 12 of 1,602,116 alleles (0.00075%); highest among the groups gnomAD compares: East Asian, 0.027%; no homozygotes.

Submission:

Greenwood Genetic Center Diagnostic Laboratories, Greenwood Genetic Center
Classification: Uncertain significance. Last evaluated: 2021-05-14. Review status: criteria provided, single submitter. Criteria: ACMG Guidelines, 2015. Collection method: clinical testing. Allele origin: germline. Affected: yes.
Comment: PP2, PM2

NM_018489.3(ASH1L):c.5860C>T (p.Pro1954Ser)

Gene: ASH1L (ASH1 like histone lysine methyltransferase; minus strand). Cytogenetic location: 1q22.
Variant type: single nucleotide variant.
Coding change: c.5860C>T on transcript NM_018489.3 (MANE Select); coding-DNA position 5860, C replaced by T.
Protein change: p.Pro1954Ser; replaces proline 1954 with serine.
Molecular consequence: missense variant.
Genome position (GRCh38, 1-based): chr1:155,415,892, G>A on the plus strand (C>T on the coding strand, the complement: ASH1L is on the minus strand). VCF-style: chr1-155415892-G-A. GRCh37 (hg19) VCF-style: chr1-155385683-G-A.
Other names: c.5860C>T, p.Pro1954Ser (NM_001366177.2); short protein forms P1954S.
Identifiers: ClinVar variation 1334765 (VCV001334765.4), dbSNP rs778032007, ClinGen allele CA1146472.